The following is an entry in ClinVar:

NC_000023.10:g.(?_21985294)_(22196513_?)del

Genes: PHEX (phosphate regulating endopeptidase X-linked; plus strand), SMS (spermine synthase; plus strand). Cytogenetic location: Xp22.11.
Variant type: Deletion.
Identifiers: ClinVar variation 1456649 (VCV001456649.4).

ClinVar aggregate classification (germline): Pathogenic (1 of 4 stars; one submission).

Submission:

Labcorp Genetics (formerly Invitae), Labcorp
Classification: Pathogenic. Last evaluated: 2020-11-11. Review status: criteria provided, single submitter. Criteria: Invitae Variant Classification Sherloc (09022015). Collection method: clinical testing. Allele origin: germline.
Comment: For these reasons, this variant has been classified as Pathogenic. This variant has not been reported in the literature in individuals with PHEX-related conditions. This variant is a gross deletion of the genomic region encompassing exon(s) 1-14 of the PHEX gene, which includes the initiator codon. The 5' end of this event is unknown as it extends beyond the assayed region for this gene and therefore may encompass additional genes. The 3' boundary is likely confined to intron 14 of the PHEX gene. It is expected to result in an absent or disrupted protein product. Loss-of-function variants in PHEX are known to be pathogenic (PMID: 9097956, 9106524, 19219621).

Literature cited by the submitters: PubMed 9097956; PubMed 9106524; PubMed 19219621.